The following is an entry in ClinVar:

ClinVar aggregate classification (germline): Benign (0 of 4 stars; one submission).

Conditions:
PLPBP-related disorder. Also called: PLPBP-related condition.

Allele frequency attached by ClinVar (database versions not stated): 1000 Genomes Project 30x 0.00172; 1000 Genomes Project 0.00140; TOPMed 0.00261; gnomAD 0.00338.
gnomAD v4.1: 6,546 of 1,458,512 alleles (0.45%); highest among the groups gnomAD compares: Non-Finnish European, 0.53%; 22 homozygotes.

Submission:

PreventionGenetics, part of Exact Sciences
Classification: Benign for PLPBP-related condition. Last evaluated: 2019-08-07. Review status: no assertion criteria provided. Collection method: clinical testing. Allele origin: germline.
Comment: This variant is classified as benign based on ACMG/AMP sequence variant interpretation guidelines (Richards et al. 2015 PMID: 25741868, with internal and published modifications).

NC_000008.11:g.37762548C>T

Genes: PLPBP (pyridoxal phosphate binding protein; plus strand), LOC113788277 (Sharpr-MPRA regulatory region 13802; plus strand). Cytogenetic location: 8p11.23.
Variant type: single nucleotide variant.
Molecular consequence: 5 prime UTR variant (on NM_001349349.1).
Genome position: GRCh38 VCF-style: chr8-37762548-C-T. GRCh37 (hg19) VCF-style: chr8-37620066-C-T.
Other names: c.-7C>T (NM_001349349.1).
Identifiers: ClinVar variation 3049726 (VCV003049726.2), dbSNP rs142026785, ClinGen allele CA175030101.